The following is an entry in ClinVar:

NM_001184.4(ATR):c.2023T>C (p.Phe675Leu)

Gene: ATR (ATR checkpoint kinase; minus strand). Cytogenetic location: 3q23.
Variant type: single nucleotide variant.
Coding change: c.2023T>C on transcript NM_001184.4 (MANE Select); coding-DNA position 2023, T replaced by C.
Protein change: p.Phe675Leu; replaces phenylalanine 675 with leucine.
Molecular consequence: missense variant.
Genome position (GRCh38, 1-based): chr3:142,556,438, A>G on the plus strand (T>C on the coding strand, the complement: ATR is on the minus strand). VCF-style: chr3-142556438-A-G. GRCh37 (hg19) VCF-style: chr3-142275280-A-G.
Other names: c.1831T>C, p.Phe611Leu (NM_001354579.2); short protein forms F675L, F611L.
Identifiers: ClinVar variation 2453569 (VCV002453569.2), dbSNP rs2473398357, ClinGen allele CA354819189.

ClinVar aggregate classification (germline): Uncertain significance (1 of 4 stars; one submission).

Conditions:
Inborn genetic diseases. Identifiers: MedGen C0950123, MeSH D030342.

Submission:

Ambry Genetics
Classification: Uncertain significance for Inborn genetic diseases. Last evaluated: 2023-01-14. Review status: criteria provided, single submitter. Criteria: Ambry Variant Classification Scheme 2023. Collection method: clinical testing. Allele origin: germline.
Comment: The p.F675L variant (also known as c.2023T>C), located in coding exon 9 of the ATR gene, results from a T to C substitution at nucleotide position 2023. The phenylalanine at codon 675 is replaced by leucine, an amino acid with highly similar properties. This amino acid position is conserved. In addition, the in silico prediction for this alteration is inconclusive. Since supporting evidence is limited at this time, the clinical significance of this alteration remains unclear.